The following is an entry in ClinVar:

NM_007272.3(CTRC):c.121T>A (p.Trp41Arg)

Gene: CTRC (chymotrypsin C; plus strand). Cytogenetic location: 1p36.21.
Variant type: single nucleotide variant.
Coding change: c.121T>A on transcript NM_007272.3 (MANE Select); coding-DNA position 121, T replaced by A.
Protein change: p.Trp41Arg; replaces tryptophan 41 with arginine.
Molecular consequence: missense variant.
Genome position (GRCh38, 1-based): chr1:15,440,380, T>A. VCF-style: chr1-15440380-T-A. GRCh37 (hg19) VCF-style: chr1-15766876-T-A.
Other names: short protein forms W41R.
Identifiers: ClinVar variation 3720905 (VCV003720905.2).

ClinVar aggregate classification (germline): Uncertain significance (1 of 4 stars; one submission).

Conditions:
Hereditary pancreatitis (PCTT). Also called: PRSS1-Related Hereditary Pancreatitis; Hereditary chronic pancreatitis. Identifiers: Orphanet 676, MedGen C0238339, MONDO:0008185, OMIM 167800.

Submission:

Labcorp Genetics (formerly Invitae), Labcorp
Classification: Uncertain significance for Hereditary pancreatitis. Last evaluated: 2025-03-14. Review status: criteria provided, single submitter. Criteria: Invitae Variant Classification Sherloc (09022015). Collection method: clinical testing. Allele origin: germline.
Comment: This sequence change replaces tryptophan, which is neutral and slightly polar, with arginine, which is basic and polar, at codon 41 of the CTRC protein (p.Trp41Arg). This variant is not present in population databases (gnomAD no frequency). This variant has not been reported in the literature in individuals affected with CTRC-related conditions. Invitae Evidence Modeling of protein sequence and biophysical properties (such as structural, functional, and spatial information, amino acid conservation, physicochemical variation, residue mobility, and thermodynamic stability) indicates that this missense variant is expected to disrupt CTRC protein function with a positive predictive value of 95%. In summary, the available evidence is currently insufficient to determine the role of this variant in disease. Therefore, it has been classified as a Variant of Uncertain Significance.